The following is an entry in ClinVar:

NM_003924.4(PHOX2B):c.129G>C (p.Gln43His)

Genes: PHOX2B (paired like homeobox 2B; minus strand), PHOX2B-AS1 (PHOX2B antisense RNA 1; plus strand). Cytogenetic location: 4p13.
Variant type: single nucleotide variant.
Coding change: c.129G>C on transcript NM_003924.4 (MANE Select); coding-DNA position 129, G replaced by C.
Protein change: p.Gln43His; replaces glutamine 43 with histidine.
Molecular consequence: missense variant.
Genome position (GRCh38, 1-based): chr4:41,748,482, C>G on the plus strand (G>C on the coding strand, the complement: PHOX2B is on the minus strand). VCF-style: chr4-41748482-C-G. GRCh37 (hg19) VCF-style: chr4-41750499-C-G.
Other names: short protein forms Q43H.
Identifiers: ClinVar variation 1471219 (VCV001471219.8), dbSNP rs1733984074, ClinGen allele CA356741020.
Genomic context (GRCh38, chr4:41,748,482, plus strand): 5'-TCCCGGCGTGAGGGAAGGGCAGCCGGACGTGGCCCCAAAAGTGGTCCTTATCGGGTTATA[C>G]TGGAAGCCACTGGCCTGGCTGCAGGAACTGAAGTCAGCATAGGCTGAAGCCAGGCTCGAG-3'
Protein context (NP_003915.2, residues 33-53): FSSCSQASGF[Gln43His]YNPIRTTFGA

ClinVar aggregate classification (germline): Uncertain significance (1 of 4 stars; one submission).

Conditions:
Haddad syndrome (OHD). Also called: Ondine-Hirschsprung disease. Identifiers: Orphanet 99803, MedGen C1859049, MONDO:0020493.

Submission:

Labcorp Genetics (formerly Invitae), Labcorp
Classification: Uncertain significance for Haddad syndrome. Last evaluated: 2021-04-05. Review status: criteria provided, single submitter. Criteria: Invitae Variant Classification Sherloc (09022015). Collection method: clinical testing. Allele origin: germline.
Comment: In summary, the available evidence is currently insufficient to determine the role of this variant in disease. Therefore, it has been classified as a Variant of Uncertain Significance. Algorithms developed to predict the effect of missense changes on protein structure and function are either unavailable or do not agree on the potential impact of this missense change (SIFT: "Deleterious"; PolyPhen-2: "Probably Damaging"; Align-GVGD: "Class C15"). This variant has not been reported in the literature in individuals with PHOX2B-related conditions. This variant is not present in population databases (ExAC no frequency). This sequence change replaces glutamine with histidine at codon 43 of the PHOX2B protein (p.Gln43His). The glutamine residue is highly conserved and there is a small physicochemical difference between glutamine and histidine.